The following is an entry in ClinVar:

GRCh37/hg19 3p26.1(chr3:4416176-4609952)x1

Genes: ITPR1 (inositol 1,4,5-trisphosphate receptor type 1; plus strand), SUMF1 (sulfatase modifying factor 1; minus strand). Cytogenetic location: 3p26.1.
Variant type: copy number loss.
Change: copy number 1 (one copy instead of two) of chr3:4,416,176-4,609,952 (193.8 kb, GRCh37 coordinates, 1-based), cytogenetic band 3p26.1.
Identifiers: ClinVar variation 1808049 (VCV001808049.1).

ClinVar aggregate classification (germline): Pathogenic (1 of 4 stars; one submission).

Submission:

Quest Diagnostics Nichols Institute San Juan Capistrano
Classification: Pathogenic. Last evaluated: 2022-04-28. Review status: criteria provided, single submitter. Criteria: ACMG/ClinGen CNV Guidelines, 2019. Collection method: clinical testing. Allele origin: unknown.
Comment: The copy number loss of 3p26.1 involves three protein coding genes including most exons of SUMF1 (OMIM 607939) and several exons of the5-prime portion of ITPR1 (OMIM 147265). Heterozygous pathogenic sequence variants and entire/partial deletions of ITPR1 are associated with autosomal dominant spinocerebellar ataxia 15 (SCA15; OMIM 606658), which is an adult-onset, slowly progressive neurological disorder. Many ITPR1 deletions associated with SCA15 are predicted loss-of-function variants (van de Leemput 2007). Heterozygous pathogenic sequence variants of this gene are also reported in individuals with autosomal dominant congenital nonprogressive spinocerebellar ataxia 29 (SCA29; OMIM 117360) and Gillespie syndrome (OMIM 206700). Gillespie syndrome is usually diagnosed in the first year of life by the presence of fixed dilated pupils in a hypotonic infant and can also be caused bybiallelic variants of ITPR1. Gerber et al. identified a heterozygous de novo in-frame 3-bp deletion of ITPR1 in a patient with Gillespie syndrome and suggested a dominant-negative effect of this in-frame variant (Gerber 2016). Additionally, a gain-of-function disease mechanism of a familial missense variant of ITPR1 was reported in afamily with SCA29 (Casey 2017). In addition, deletions of this interval, including complete/partial loss of ITPR1 with or without complete/partial loss of SUMF1, are reported in numerous patient swith SCA15 (Synofzik 2011, Marelli 2011, Castrioto 2011, Orsucci 2013, van de Leemput 2007, Tipton 2017). Biallelic pathogenics equence variants of SUMF1 are associated with autosomal recessive multiple sulfatase deficiency (MSD; OMIM 272200). There are no similar copy number losses of this region in the general populationsof the Database of Genomic Variants. Therefore, this copy number loss is interpreted as pathogenic. References: Casey et al. J Neurol. 2017 Jul;264(7):1444-1453. PMID: 28620721. Castrioto et al., Eur J Neurol. 2011 Oct;18(10):1263-5. PMID:21382133. Gerber et al. Am J Hum Genet. 2016 May 5;98(5):971-980. PMID:27108797. Marelli et al. Arch Neurol. 2011 May;68(5):637-43. PMID: 21555639. Orsucci et al., Mov Disord. 2013 Sep;28(10):1465. PMID: 23495097. Synofzik et al. J Med Genet. 2011 Jun;48(6):407-12. PMID: 21367767. Tipton et al., Neurol Neurochir Pol. Jan-Feb 2017;51(1):86-91. PMID:27908616. van de Leemput et al. PLoS Genet. 2007 Jun;3(6):e108. PMID: 17590087.